The following is an entry in ClinVar:

NM_001256715.2(DNAAF3):c.366_430del (p.Val126fs)

Genes: DNAAF3 (dynein axonemal assembly factor 3; minus strand), DNAAF3-AS1 (DNAAF3 antisense RNA 1; plus strand). Cytogenetic location: 19q13.42.
Variant type: Deletion.
Coding change: c.366_430del on transcript NM_001256715.2 (MANE Select); coding-DNA positions 366 to 430, 65 bases deleted.
Protein change: p.Val126fs; shifts the reading frame from valine 126.
Molecular consequence: frameshift variant.
Genome position (GRCh38, 1-based): chr19:55,162,183-55,162,247, 65 bases deleted. GRCh37 (hg19): chr19:55,673,551-55,673,615.
Other names: c.570_634del, p.Val194fs (NM_001256714.1); c.204_268del, p.Val72fs (NM_001256716.2); c.507_571del, p.Val173fs (NM_178837.4); short protein forms V126fs, V173fs, V194fs, V72fs.
Identifiers: ClinVar variation 2690909 (VCV002690909.1), dbSNP rs1568865669, ClinGen allele CA633873262.

ClinVar aggregate classification (germline): Likely pathogenic (1 of 4 stars; one submission).

Conditions:
Primary ciliary dyskinesia 2. Also called: CILIARY DYSKINESIA, PRIMARY, 2, WITH OR WITHOUT SITUS INVERSUS. Identifiers: Orphanet 244, MedGen C1847554, MONDO:0011718, OMIM 606763.

Allele frequency attached by ClinVar (database versions not stated): gnomAD 0.00002; gnomAD exomes 0.00004.

Submission:

Johns Hopkins Genomics, Johns Hopkins University
Classification: Likely pathogenic for Primary ciliary dyskinesia 2. Last evaluated: 2023-10-09. Review status: criteria provided, single submitter. Criteria: ACMG Guidelines, 2015. Collection method: clinical testing. Allele origin: germline.
Comment: This DNAAF3 variant (rs1568865669) is rare (<0.1%) in a large population dataset (gnomAD v2.1.1: 1/31394 total alleles; 0.003%; no homozygotes). It has not been reported in ClinVar, nor the literature, to our knowledge. This frameshift variant results in a premature stop codon in exon 6 of 12, likely leading to nonsense-mediated decay and lack of protein production. We consider c.570_634del in DNAAF3 to be likely pathogenic.